The following is an entry in ClinVar:

ClinVar aggregate classification (germline): Uncertain significance. Review status: criteria provided, multiple submitters, no conflicts (2 of 4 stars). 2 submissions from 2 submitters: Uncertain significance (2). Last evaluated 2026-04-28.

Conditions:
HUWE1-related disorder. Also called: HUWE1-related condition.

Submissions (2):

PreventionGenetics, part of Exact Sciences
Classification: Uncertain significance for HUWE1-related condition. Last evaluated: 2026-04-28. Review status: criteria provided, single submitter. Criteria: ACMG Guidelines, 2015. Collection method: clinical testing. Allele origin: germline.
Comment: The HUWE1 c.9182T>C variant is predicted to result in the amino acid substitution p.Phe3061Ser. To our knowledge, this variant has not been reported in the literature or in gnomAD, indicating this variant is rare. At this time, the clinical significance of this variant is uncertain due to the absence of conclusive functional and genetic evidence.

GeneDx
Classification: Uncertain significance. Last evaluated: 2025-02-03. Review status: criteria provided, single submitter. Criteria: GeneDx Variant Classification Process June 2021. Collection method: clinical testing. Allele origin: germline. Affected: yes.
Comment: Not observed at significant frequency in large population cohorts (gnomAD); In silico analysis supports that this missense variant has a deleterious effect on protein structure/function; Has not been previously published as pathogenic or benign to our knowledge

NM_031407.7(HUWE1):c.9182T>C (p.Phe3061Ser)

Gene: HUWE1 (HECT, UBA and WWE domain containing E3 ubiquitin protein ligase 1; minus strand). Cytogenetic location: Xp11.22.
Variant type: single nucleotide variant.
Coding change: c.9182T>C on transcript NM_031407.7 (MANE Select); coding-DNA position 9182, T replaced by C.
Protein change: p.Phe3061Ser; replaces phenylalanine 3061 with serine.
Molecular consequence: missense variant.
Genome position (GRCh38, 1-based): chrX:53,551,104, A>G on the plus strand (T>C on the coding strand, the complement: HUWE1 is on the minus strand). VCF-style: chrX-53551104-A-G. GRCh37 (hg19) VCF-style: chrX-53578065-A-G.
Other names: c.9182T>C (NM_031407.6); short protein forms F3061S.
Identifiers: ClinVar variation 4072751 (VCV004072751.2).
Genomic context (GRCh38, chrX:53,551,104, plus strand): 5'-ACACTGTCCTCCATATCCTCTAGGACACTACGGCGCAGGTCTGAGGGCAGAGTCTGGATG[A>G]AGGTCACAGGGTCCATAGGGGTGTCTGAGCTGGCATTCTGTGCTAGTTCTCGTCGCTGCT-3'
Protein context (NP_113584.3, residues 3051-3071): SSDTPMDPVT[Phe3061Ser]IQTLPSDLRR